The following is an entry in ClinVar:

ClinVar aggregate classification (germline): Uncertain significance (1 of 4 stars; one submission).

Conditions:
Generalized epilepsy with febrile seizures plus, type 7 (GEFSP7). Also called: GEFS+, TYPE 7. Identifiers: Orphanet 36387, MedGen C2751778, MONDO:0013470, OMIM 613863.
Neuropathy, hereditary sensory and autonomic, type 2A (HSAN2A). Also called: HSAN IIA; WNK1-Related HSAN2 (HSAN2A); MORVAN DISEASE; NEUROPATHY, CONGENITAL SENSORY; NEUROPATHY, HEREDITARY SENSORY RADICULAR, AUTOSOMAL RECESSIVE; NEUROPATHY, HEREDITARY SENSORY, TYPE IIA. Identifiers: Orphanet 970, MedGen C2752089, MONDO:0024309, OMIM 201300.

Allele frequency attached by ClinVar (database versions not stated): TOPMed below 0.00001.

Submission:

Labcorp Genetics (formerly Invitae), Labcorp
Classification: Uncertain significance for Neuropathy, hereditary sensory and autonomic, type 2A; Generalized epilepsy with febrile seizures plus, type 7. Last evaluated: 2024-04-05. Review status: criteria provided, single submitter. Criteria: Invitae Variant Classification Sherloc (09022015). Collection method: clinical testing. Allele origin: germline.
Comment: This sequence change replaces isoleucine, which is neutral and non-polar, with valine, which is neutral and non-polar, at codon 196 of the SCN9A protein (p.Ile196Val). This variant is not present in population databases (gnomAD no frequency). This variant has not been reported in the literature in individuals affected with SCN9A-related conditions. ClinVar contains an entry for this variant (Variation ID: 843479). Advanced modeling of protein sequence and biophysical properties (such as structural, functional, and spatial information, amino acid conservation, physicochemical variation, residue mobility, and thermodynamic stability) performed at Invitae indicates that this missense variant is not expected to disrupt SCN9A protein function with a negative predictive value of 95%. In summary, the available evidence is currently insufficient to determine the role of this variant in disease. Therefore, it has been classified as a Variant of Uncertain Significance.

NM_001365536.1(SCN9A):c.586A>G (p.Ile196Val)

Gene: SCN9A (sodium voltage-gated channel alpha subunit 9; minus strand). Cytogenetic location: 2q24.3.
Variant type: single nucleotide variant.
Coding change: c.586A>G on transcript NM_001365536.1 (MANE Select); coding-DNA position 586, A replaced by G.
Protein change: p.Ile196Val; replaces isoleucine 196 with valine.
Molecular consequence: missense variant.
Genome position (GRCh38, 1-based): chr2:166,305,802, T>C on the plus strand (A>G on the coding strand, the complement: SCN9A is on the minus strand). VCF-style: chr2-166305802-T-C. GRCh37 (hg19) VCF-style: chr2-167162312-T-C.
Other names: c.586A>G, p.Ile196Val (NM_002977.4); short protein forms I196V.
Identifiers: ClinVar variation 843479 (VCV000843479.10), dbSNP rs1698734869, ClinGen allele CA349094899.